The following is an entry in ClinVar:

ClinVar aggregate classification (germline): Pathogenic (1 of 4 stars; one submission).

Conditions:
Primary pulmonary hypertension. Also called: Idiopathic pulmonary hypertension. Identifiers: MedGen C0152171.

Submission:

Labcorp Genetics (formerly Invitae), Labcorp
Classification: Pathogenic for Primary pulmonary hypertension. Last evaluated: 2021-11-05. Review status: criteria provided, single submitter. Criteria: Invitae Variant Classification Sherloc (09022015). Collection method: clinical testing. Allele origin: germline.
Comment: For these reasons, this variant has been classified as Pathogenic. This variant has not been reported in the literature in individuals affected with BMPR2-related conditions. This variant is not present in population databases (gnomAD no frequency). This sequence change creates a premature translational stop signal (p.Arg357Glyfs*2) in the BMPR2 gene. It is expected to result in an absent or disrupted protein product. Loss-of-function variants in BMPR2 are known to be pathogenic (PMID: 16429395).

Literature cited by the submitters: PubMed 16429395.

NM_001204.7(BMPR2):c.1069del (p.Arg357fs)

Gene: BMPR2 (bone morphogenetic protein receptor type 2; plus strand). Cytogenetic location: 2q33.2.
Variant type: Deletion.
Coding change: c.1069del on transcript NM_001204.7 (MANE Select); coding-DNA position 1069, one base deleted (A; older notation c.1069delA).
Protein change: p.Arg357fs; shifts the reading frame from arginine 357.
Molecular consequence: frameshift variant.
Genome position (GRCh38, 1-based): chr2:202,530,895, A deleted. VCF-style (leftmost placement, unchanged base first): chr2-202530894-GA-G. GRCh37 (hg19) VCF-style: chr2-203395617-GA-G.
Other names: short protein forms R357fs.
Identifiers: ClinVar variation 1379840 (VCV001379840.6), dbSNP rs2106018181, ClinGen allele CA2573134352.